The following is an entry in ClinVar:

NM_018076.5(ODAD2):c.551A>G (p.Asn184Ser)

Gene: ODAD2 (outer dynein arm docking complex subunit 2; minus strand). Cytogenetic location: 10p12.1.
Variant type: single nucleotide variant.
Coding change: c.551A>G on transcript NM_018076.5 (MANE Select); coding-DNA position 551, A replaced by G.
Protein change: p.Asn184Ser; replaces asparagine 184 with serine.
Molecular consequence: missense variant.
Genome position (GRCh38, 1-based): chr10:27,985,043, T>C on the plus strand (A>G on the coding strand, the complement: ODAD2 is on the minus strand). VCF-style: chr10-27985043-T-C. GRCh37 (hg19) VCF-style: chr10-28273972-T-C.
Other names: c.551A>G, p.Asn184Ser (NM_001290020.2); short protein forms N184S.
Identifiers: ClinVar variation 836616 (VCV000836616.9), dbSNP rs778996559, ClinGen allele CA5453789.

ClinVar aggregate classification (germline): Uncertain significance (1 of 4 stars; one submission).

Conditions:
Primary ciliary dyskinesia 23 (CILD23). Also called: CILIARY DYSKINESIA, PRIMARY, 23, WITH OR WITHOUT SITUS INVERSUS. Identifiers: Orphanet 244, MedGen C3809548, MONDO:0014193, OMIM 615451.

Allele frequency attached by ClinVar (database versions not stated): gnomAD exomes below 0.00001 and 0.00001; ExAC 0.00001.
gnomAD v4.1: 6 of 1,608,558 alleles (0.00037%); highest among the groups gnomAD compares: Non-Finnish European, 0.00051%; no homozygotes.

Submission:

Labcorp Genetics (formerly Invitae), Labcorp
Classification: Uncertain significance for Primary ciliary dyskinesia 23. Last evaluated: 2019-02-14. Review status: criteria provided, single submitter. Criteria: Invitae Variant Classification Sherloc (09022015). Collection method: clinical testing. Allele origin: germline.
Comment: Algorithms developed to predict the effect of missense changes on protein structure and function output the following: SIFT: "Deleterious"; PolyPhen-2: "Benign"; Align-GVGD: "Class C0". The serine amino acid residue is found in multiple mammalian species, suggesting that this missense change does not adversely affect protein function. These predictions have not been confirmed by published functional studies and their clinical significance is uncertain. In summary, the available evidence is currently insufficient to determine the role of this variant in disease. Therefore, it has been classified as a Variant of Uncertain Significance. Algorithms developed to predict the effect of sequence changes on RNA splicing suggest that this variant may create or strengthen a splice site, but this prediction has not been confirmed by published transcriptional studies. This variant has not been reported in the literature in individuals with ARMC4-related conditions. This variant is present in population databases (rs778996559, ExAC 0.002%). This sequence change replaces asparagine with serine at codon 184 of the ARMC4 protein (p.Asn184Ser). The asparagine residue is moderately conserved and there is a small physicochemical difference between asparagine and serine.